The following is an entry in ClinVar:

NM_198525.3(KIF7):c.923+2T>G

Gene: KIF7 (kinesin family member 7; minus strand). Cytogenetic location: 15q26.1.
Variant type: single nucleotide variant.
Coding change: c.923+2T>G on transcript NM_198525.3 (MANE Select); the canonical splice donor site of the intron after coding-DNA position 923, T replaced by G.
Molecular consequence: splice donor variant.
Genome position (GRCh38, 1-based): chr15:89,648,972, A>C on the plus strand (T>G on the coding strand, the complement: KIF7 is on the minus strand). VCF-style: chr15-89648972-A-C. GRCh37 (hg19) VCF-style: chr15-90192203-A-C.
Identifiers: ClinVar variation 3578124 (VCV003578124.3).

ClinVar aggregate classification (germline): Likely pathogenic. Review status: criteria provided, multiple submitters, no conflicts (2 of 4 stars). 2 submissions from 2 submitters: Likely pathogenic (2). Last evaluated 2024-05-22.

Conditions:
Acrocallosal syndrome (ACLS). Also called: HALLUX DUPLICATION, POSTAXIAL POLYDACTYLY, AND ABSENCE OF CORPUS CALLOSUM; Schinzel syndrome 1; Absence of corpus callosum with unusual facial appearance, mental deficiency, duplication of the halluces and polydactyly. Identifiers: Orphanet 36, MedGen C0796147, MONDO:0008708, OMIM 200990.
Hydrolethalus syndrome 2 (HLS2). Identifiers: Orphanet 2189, MedGen C3279899, MONDO:0013585, OMIM 614120.
Multiple epiphyseal dysplasia, Al-Gazali type. Also called: Macrocephaly with multiple epiphyseal dysplasia and distinctive facies. Identifiers: Orphanet 166024, MedGen C1846722, MONDO:0011778, OMIM 607131.

gnomAD v4.1: 2 of 1,533,662 alleles (0.00013%); highest among the groups gnomAD compares: African/African-American, 0.0028%; no homozygotes.

Submissions (2):

Fulgent Genetics
Classification: Likely pathogenic for Acrocallosal syndrome; Multiple epiphyseal dysplasia, Al-Gazali type; Hydrolethalus syndrome 2. Last evaluated: 2024-05-22. Review status: criteria provided, single submitter. Criteria: ACMG Guidelines, 2015. Collection method: clinical testing. Allele origin: germline.

Labcorp Genetics (formerly Invitae), Labcorp
Classification: Likely pathogenic for Acrocallosal syndrome. Last evaluated: 2024-04-25. Review status: criteria provided, single submitter. Criteria: Invitae Variant Classification Sherloc (09022015). Collection method: clinical testing. Allele origin: germline.
Comment: This sequence change affects a donor splice site in intron 4 of the KIF7 gene. It is expected to disrupt RNA splicing. Variants that disrupt the donor or acceptor splice site typically lead to a loss of protein function (PMID: 16199547), and loss-of-function variants in KIF7 are known to be pathogenic (PMID: 19666503, 21552264, 21633164, 26648833). This variant is present in population databases (no rsID available, gnomAD 0.01%). This variant has not been reported in the literature in individuals affected with KIF7-related conditions. Algorithms developed to predict the effect of sequence changes on RNA splicing suggest that this variant may disrupt the consensus splice site. In summary, the currently available evidence indicates that the variant is pathogenic, but additional data are needed to prove that conclusively. Therefore, this variant has been classified as Likely Pathogenic.

Literature cited by the submitters: PubMed 16199547 (cited by Labcorp Genetics (formerly Invitae), Labcorp); PubMed 19666503 (cited by Labcorp Genetics (formerly Invitae), Labcorp); PubMed 21552264 (cited by Labcorp Genetics (formerly Invitae), Labcorp); PubMed 21633164 (cited by Labcorp Genetics (formerly Invitae), Labcorp); PubMed 26648833 (cited by Labcorp Genetics (formerly Invitae), Labcorp).